The following is an entry in ClinVar:

NM_004595.5(SMS):c.751-3A>G

Gene: SMS (spermine synthase; plus strand). Cytogenetic location: Xp22.11.
Variant type: single nucleotide variant.
Coding change: c.751-3A>G on transcript NM_004595.5 (MANE Select); 3 bases into the intron before coding-DNA position 751, A replaced by G.
Molecular consequence: intron variant.
Genome position (GRCh38, 1-based): chrX:21,984,301, A>G. VCF-style: chrX-21984301-A-G. GRCh37 (hg19) VCF-style: chrX-22002419-A-G.
Other names: c.592-3A>G (NM_001258423.2).
Identifiers: ClinVar variation 3769679 (VCV003769679.1).
Genomic context (GRCh38, chrX:21,984,301, plus strand): 5'-TTGTTTTTTGTTTAACTACATCCACATGTTGGCTCACTCATCTATTCCTGTTCTTTCTGG[A>G]AGGTTCTAATAGAAGACTGTATCCCGGTACTGAAGAGGTACGCCAAAGAAGGGAGAGAAT-3'

ClinVar aggregate classification (germline): Uncertain significance (1 of 4 stars; one submission).

Submission:

GeneDx
Classification: Uncertain significance. Last evaluated: 2024-09-12. Review status: criteria provided, single submitter. Criteria: GeneDx Variant Classification Process June 2021. Collection method: clinical testing. Allele origin: germline. Affected: yes.
Comment: Not observed at significant frequency in large population cohorts (gnomAD); In silico analysis supports a deleterious effect on splicing; Has not been previously published as pathogenic or benign to our knowledge